The following is an entry in ClinVar:

NM_020433.5(JPH2):c.611T>A (p.Leu204His)

Gene: JPH2 (junctophilin 2; minus strand). Cytogenetic location: 20q13.12.
Variant type: single nucleotide variant.
Coding change: c.611T>A on transcript NM_020433.5 (MANE Select); coding-DNA position 611, T replaced by A.
Protein change: p.Leu204His; replaces leucine 204 with histidine.
Molecular consequence: missense variant.
Genome position (GRCh38, 1-based): chr20:44,160,176, A>T on the plus strand (T>A on the coding strand, the complement: JPH2 is on the minus strand). VCF-style: chr20-44160176-A-T. GRCh37 (hg19) VCF-style: chr20-42788816-A-T.
Other names: short protein forms L204H.
Identifiers: ClinVar variation 1977204 (VCV001977204.5), dbSNP rs1369796322, ClinGen allele CA409094035.
Genomic context (GRCh38, chr20:44,160,176, plus strand): 5'-CCCCGCTGGAAGAGGCCGCCGCCCTTGGGCGCCCGCGCGGCCGCCTCGGCATTGGCCAGG[A>T]GGCTGAGCGCGAAGCCGCCACGCGGGATGGCGGGCGAGGGCAGCGCGGGGCCGTCGGAGG-3'
Protein context (NP_065166.2, residues 194-214): AIPRGGFALS[Leu204His]LANAEAAARA

ClinVar aggregate classification (germline): Uncertain significance (1 of 4 stars; one submission).

Conditions:
Hypertrophic cardiomyopathy. Also called: HYPERTROPHIC MYOCARDIOPATHY. Identifiers: Orphanet 217569, MedGen C0007194, MeSH D002312, MONDO:0005045, HP:0001639.

gnomAD v4.1: 10 of 1,408,436 alleles (0.00071%); highest among the groups gnomAD compares: East Asian, 0.03%; no homozygotes.

Submission:

Labcorp Genetics (formerly Invitae), Labcorp
Classification: Uncertain significance for Hypertrophic cardiomyopathy. Last evaluated: 2024-04-17. Review status: criteria provided, single submitter. Criteria: Invitae Variant Classification Sherloc (09022015). Collection method: clinical testing. Allele origin: germline.
Comment: This sequence change replaces leucine, which is neutral and non-polar, with histidine, which is basic and polar, at codon 204 of the JPH2 protein (p.Leu204His). This variant is not present in population databases (gnomAD no frequency). This variant has not been reported in the literature in individuals affected with JPH2-related conditions. ClinVar contains an entry for this variant (Variation ID: 1977204). An algorithm developed to predict the effect of missense changes on protein structure and function (PolyPhen-2) suggests that this variant is likely to be disruptive. In summary, the available evidence is currently insufficient to determine the role of this variant in disease. Therefore, it has been classified as a Variant of Uncertain Significance.